The following is an entry in ClinVar:

ClinVar aggregate classification (germline): Likely benign (1 of 4 stars; one submission).

Submission:

CeGaT Center for Human Genetics Tuebingen
Classification: Likely benign. Last evaluated: 2026-01-01. Review status: criteria provided, single submitter. Criteria: CeGaT Center For Human Genetics Tuebingen Variant Classification Criteria Version 2. Collection method: clinical testing. Allele origin: germline. Affected: yes. Observed: 1 variant allele.
Comment: NSDHL: PM2:Supporting, BP4, BP7

NM_015922.3(NSDHL):c.24A>G (p.Pro8=)

Gene: NSDHL (NAD(P) dependent 3-beta-hydroxysteroid dehydrogenase NSDHL; plus strand). Cytogenetic location: Xq28.
Variant type: single nucleotide variant.
Coding change: c.24A>G on transcript NM_015922.3 (MANE Select); coding-DNA position 24, A replaced by G.
Protein change: p.Pro8=; no amino-acid change (proline 8 retained).
Molecular consequence: synonymous variant.
Genome position (GRCh38, 1-based): chrX:152,846,348, A>G. VCF-style: chrX-152846348-A-G. GRCh37 (hg19) VCF-style: chrX-152014892-A-G.
Other names: c.24A>G, p.Pro8= (NM_001129765.2, NM_001441099.1).
Identifiers: ClinVar variation 4822924 (VCV004822924.4).
Genomic context (GRCh38, chrX:152,846,348, plus strand): 5'-AAAGTTGATTACAAACGGGACCATATTTTGCTTCGAAATGGAACCAGCAGTTAGCGAGCC[A>G]ATGAGAGACCAAGTCGCACGGACTCATTTGACAGAGGACACTCCCAAAGTGAATGCTGAC-3'
Protein context (NP_057006.1, residues 1-18): MEPAVSE[Pro8=]MRDQVARTHL